The following is an entry in ClinVar:

NM_018685.5(ANLN):c.100A>G (p.Met34Val)

Gene: ANLN (anillin, actin binding protein; plus strand). Cytogenetic location: 7p14.2.
Variant type: single nucleotide variant.
Coding change: c.100A>G on transcript NM_018685.5 (MANE Select); coding-DNA position 100, A replaced by G.
Protein change: p.Met34Val; replaces methionine 34 with valine.
Molecular consequence: missense variant.
Genome position (GRCh38, 1-based): chr7:36,396,347, A>G. VCF-style: chr7-36396347-A-G. GRCh37 (hg19) VCF-style: chr7-36435956-A-G.
Other names: c.100A>G, p.Met34Val (NM_001284301.3, NM_001284302.3); short protein forms M34V.
Identifiers: ClinVar variation 1165102 (VCV001165102.13), dbSNP rs116131910, ClinGen allele CA4219259.

ClinVar aggregate classification (germline): Benign/Likely benign. Review status: criteria provided, multiple submitters, no conflicts (2 of 4 stars). 4 submissions from 4 submitters: Benign (2); Likely benign (2). Last evaluated 2026-02-01.

Conditions:
Focal segmental glomerulosclerosis 8 (FSGS8). Identifiers: Orphanet 656, MedGen C4014993, MONDO:0014462, OMIM 616032.

Allele frequency attached by ClinVar (database versions not stated): gnomAD exomes 0.00054 and 0.00136; ExAC 0.00166; 1000 Genomes Project 0.00519; gnomAD 0.00605 and 0.00644; 1000 Genomes Project 30x 0.00625; TOPMed 0.00651; ESP Exome Variant Server 0.00654.

Submissions (6):

Labcorp Genetics (formerly Invitae), Labcorp
Classification: Benign. Last evaluated: 2026-02-01. Review status: criteria provided, single submitter. Criteria: Invitae Variant Classification Sherloc (09022015). Collection method: clinical testing. Allele origin: germline.

Genome-Nilou Lab
Classification: Benign for Focal segmental glomerulosclerosis 8. Last evaluated: 2021-12-05. Review status: criteria provided, single submitter. Criteria: ACMG Guidelines, 2015. Collection method: clinical testing. Allele origin: germline. Affected: no.

GeneDx
Classification: Likely benign. Last evaluated: 2021-11-20. Review status: criteria provided, single submitter. Criteria: GeneDx Variant Classification Process June 2021. Collection method: clinical testing. Allele origin: germline. Affected: yes.
Comment: See Variant Classification Assertion Criteria.

Breakthrough Genomics
Classification: Likely benign. Review status: criteria provided, single submitter. Criteria: ACMG Guidelines, 2015. Collection method: not provided. Allele origin: germline. Inheritance: Autosomal dominant inheritance. Affected: yes.

Dr. Peter K. Rogan Lab, Western University
No classification provided (evidence only). Condition: Acute myeloid leukemia. Review status: no classification provided. Collection method: in vitro. Allele origin: not applicable. Functional consequence: retained intron. Not counted in ClinVar's aggregate classification.

Dr. Peter K. Rogan Lab, Western University
No classification provided (evidence only). Condition: Gastric cancer. Review status: no classification provided. Collection method: in vitro. Allele origin: not applicable. Functional consequence: retained intron. Not counted in ClinVar's aggregate classification.